The following is an entry in ClinVar:

ClinVar aggregate classification (germline): Uncertain significance. Review status: criteria provided, single submitter (1 of 4 stars). 2 submissions from 2 submitters: Uncertain significance (1). 1 of the submissions does not count toward it. Last evaluated 2021-08-31.

Conditions:
Nemaline myopathy 2 (NEM2). Also called: Nemaline myopathy 2, autosomal recessive. Identifiers: MedGen C1850569, MONDO:0009725, OMIM 256030.

Allele frequency attached by ClinVar (database versions not stated): ExAC 0.00001; TOPMed 0.00001.
gnomAD v4.1: 4 of 1,613,718 alleles (0.00025%); highest among the groups gnomAD compares: South Asian, 0.0011%; no homozygotes.

Submissions (2):

Labcorp Genetics (formerly Invitae), Labcorp
Classification: Uncertain significance for Nemaline myopathy 2. Last evaluated: 2021-08-31. Review status: criteria provided, single submitter. Criteria: Invitae Variant Classification Sherloc (09022015). Collection method: clinical testing. Allele origin: germline.
Comment: This sequence change replaces arginine with glutamine at codon 5745 of the NEB protein (p.Arg5745Gln). The arginine residue is moderately conserved and there is a small physicochemical difference between arginine and glutamine. This variant is present in population databases (rs773556106, ExAC 0.006%). This variant has not been reported in the literature in individuals affected with NEB-related conditions. Algorithms developed to predict the effect of missense changes on protein structure and function are either unavailable or do not agree on the potential impact of this missense change (SIFT: "Deleterious"; PolyPhen-2: "Not Available"; Align-GVGD: "Class C0"). In summary, the available evidence is currently insufficient to determine the role of this variant in disease. Therefore, it has been classified as a Variant of Uncertain Significance.

Natera, Inc.
Classification: Uncertain significance for Nemaline myopathy type 2. Last evaluated: 2021-03-09. Review status: no assertion criteria provided. Collection method: clinical testing. Allele origin: germline. Not counted in ClinVar's aggregate classification.

NM_001164508.2(NEB):c.17234G>A (p.Arg5745Gln)

Gene: NEB (nebulin; minus strand). Cytogenetic location: 2q23.3.
Variant type: single nucleotide variant.
Coding change: c.17234G>A on transcript NM_001164508.2 (MANE Select); coding-DNA position 17234, G replaced by A.
Protein change: p.Arg5745Gln; replaces arginine 5745 with glutamine.
Molecular consequence: missense variant.
Genome position (GRCh38, 1-based): chr2:151,570,277, C>T on the plus strand (G>A on the coding strand, the complement: NEB is on the minus strand). VCF-style: chr2-151570277-C-T. GRCh37 (hg19) VCF-style: chr2-152426791-C-T.
Other names: c.17234G>A, p.Arg5745Gln (NM_001164507.2, NM_001271208.2); c.12131G>A, p.Arg4044Gln (NM_004543.5); short protein forms R5745Q, R4044Q.
Identifiers: ClinVar variation 573837 (VCV000573837.7), dbSNP rs773556106, ClinGen allele CA1908257.
Genomic context (GRCh38, chr2:151,570,277, plus strand): 5'-AGCATGTCCACAGGGCTCTGGATCTTGGCCTTCCATTTGGCCCAGTCCAGCCGGTACTCT[C>T]GTTCATTCTGGAGCTTGTCAGCTATGAGGGCCCAGCGGATCTTGTTGTCATCCCTGGCTG-3'
Protein context (NP_001157980.2, residues 5735-5755): ALIADKLQNE[Arg5745Gln]EYRLDWAKWK